The following is an entry in ClinVar:

ClinVar aggregate classification (germline): Uncertain significance. Review status: criteria provided, multiple submitters, no conflicts (2 of 4 stars). 2 submissions from 2 submitters: Uncertain significance (2). Last evaluated 2024-09-09.

Conditions:
Familial melanoma. Also called: Hereditary melanoma; Hereditary cutaneous melanoma. Identifiers: Orphanet 618, MedGen C1512419, MONDO:0018961.
Hereditary cancer-predisposing syndrome. Also called: Tumor predisposition; Hereditary neoplastic syndrome; Neoplastic Syndromes, Hereditary; Hereditary Cancer Syndrome. Identifiers: Orphanet 140162, MedGen C0027672, MeSH D009386, MONDO:0015356.

Allele frequency attached by ClinVar (database versions not stated): gnomAD exomes below 0.00001.
gnomAD v4.1: 1 of 1,601,344 alleles (0.000062%); highest among the groups gnomAD compares: Non-Finnish European, 0.000085%; no homozygotes.

Submissions (2):

Ambry Genetics
Classification: Uncertain significance for Hereditary cancer-predisposing syndrome. Last evaluated: 2024-09-09. Review status: criteria provided, single submitter. Criteria: Ambry Variant Classification Scheme 2023. Collection method: clinical testing. Allele origin: germline.
Comment: The p.R63I variant (also known as c.188G>T), located in coding exon 1 of the CDKN2A (p14ARF) gene, results from a G to T substitution at nucleotide position 188. The arginine at codon 63 is replaced by isoleucine, an amino acid with similar properties. This amino acid position is well conserved in available vertebrate species. In addition, this alteration is predicted to be tolerated by in silico analysis. Based on the available evidence, the clinical significance of this variant remains unclear.

Labcorp Genetics (formerly Invitae), Labcorp
Classification: Uncertain significance for Familial melanoma. Last evaluated: 2021-09-25. Review status: criteria provided, single submitter. Criteria: Invitae Variant Classification Sherloc (09022015). Collection method: clinical testing. Allele origin: germline.
Comment: This sequence change replaces arginine with isoleucine at codon 63 of the CDKN2A (p14ARF) protein (p.Arg63Ile). The arginine residue is moderately conserved and there is a moderate physicochemical difference between arginine and isoleucine. This variant is not present in population databases (ExAC no frequency). This variant has not been reported in the literature in individuals affected with CDKN2A (p14ARF)-related conditions. Algorithms developed to predict the effect of missense changes on protein structure and function are either unavailable or do not agree on the potential impact of this missense change (SIFT: "Deleterious"; PolyPhen-2: "Benign"; Align-GVGD: "Class C0"). In summary, the available evidence is currently insufficient to determine the role of this variant in disease. Therefore, it has been classified as a Variant of Uncertain Significance.

NM_058195.4(CDKN2A):c.188G>T (p.Arg63Ile)

Gene: CDKN2A (cyclin dependent kinase inhibitor 2A; minus strand). Cytogenetic location: 9p21.3.
Variant type: single nucleotide variant.
Coding change: c.188G>T on transcript NM_058195.4 (MANE Plus Clinical); coding-DNA position 188, G replaced by T.
Protein change: p.Arg63Ile; replaces arginine 63 with isoleucine.
Molecular consequence: missense variant. On other transcripts: intron variant (1).
Genome position (GRCh38, 1-based): chr9:21,994,144, C>A on the plus strand (G>T on the coding strand, the complement: CDKN2A is on the minus strand). VCF-style: chr9-21994144-C-A. GRCh37 (hg19) VCF-style: chr9-21994143-C-A.
Other names: c.-4+677G>T (NM_001363763.2); short protein forms R63I.
Identifiers: ClinVar variation 652890 (VCV000652890.6), dbSNP rs780425629, ClinGen allele CA373086772.
Genomic context (GRCh38, chr9:21,994,144, plus strand): 5'-CACCAAACAAAACAAGTGCCGAATGCGCCCCGGACTTTTCGAGGGCCTTTCCTACCTGGT[C>A]TTCTAGGAAGCGGCTGCTGCCCTAGACGCTGGCTCCTCAGTAGCATCAGCACGAGGGCCA-3'
Protein context (NP_478102.2, residues 53-73): QRLGQQPLPR[Arg63Ile]PGHDDGQRPS